The following is an entry in ClinVar:

NM_005475.3(SH2B3):c.1238A>G (p.His413Arg)

Gene: SH2B3 (SH2B adaptor protein 3; plus strand). Cytogenetic location: 12q24.12.
Variant type: single nucleotide variant.
Coding change: c.1238A>G on transcript NM_005475.3 (MANE Select); coding-DNA position 1238, A replaced by G.
Protein change: p.His413Arg; replaces histidine 413 with arginine.
Molecular consequence: missense variant.
Genome position (GRCh38, 1-based): chr12:111,447,657, A>G. VCF-style: chr12-111447657-A-G. GRCh37 (hg19) VCF-style: chr12-111885461-A-G.
Other names: c.632A>G, p.His211Arg (NM_001291424.1); short protein forms H211R, H413R.
Identifiers: ClinVar variation 3953481 (VCV003953481.1).

ClinVar aggregate classification (germline): Uncertain significance (1 of 4 stars; one submission).

Conditions:
Inborn genetic diseases. Identifiers: MedGen C0950123, MeSH D030342.

Submission:

Ambry Genetics
Classification: Uncertain significance for Inborn genetic diseases. Last evaluated: 2025-05-01. Review status: criteria provided, single submitter. Criteria: Ambry Variant Classification Scheme 2023. Collection method: clinical testing. Allele origin: germline.
Comment: The p.H413R variant (also known as c.1238A>G), located in coding exon 6 of the SH2B3 gene, results from an A to G substitution at nucleotide position 1238. The histidine at codon 413 is replaced by arginine, an amino acid with highly similar properties. This amino acid position is conserved. In addition, this alteration is predicted to be deleterious by in silico analysis. Based on the available evidence, the clinical significance of this variant remains unclear.